The following is an entry in ClinVar:

ClinVar aggregate classification (germline): Conflicting classifications of pathogenicity. Review status: criteria provided, conflicting classifications (1 of 4 stars). 4 submissions from 4 submitters: Likely pathogenic (1); Uncertain significance (3). Last evaluated 2026-03-20.

Conditions:
Multiple gastrointestinal atresias. Also called: Multiple intestinal atresia; FAMILIAL INTESTINAL POLYATRESIA SYNDROME. Identifiers: Orphanet 2300, MedGen C0220744, MONDO:0009465.

Allele frequency attached by ClinVar (database versions not stated): TOPMed below 0.00001; ExAC 0.00001; gnomAD 0.00001; gnomAD exomes 0.00001.
gnomAD v4.1: 10 of 1,613,786 alleles (0.00062%); highest among the groups gnomAD compares: Non-Finnish European, 0.00068%; no homozygotes.

Submissions (4):

Women's Health and Genetics/Laboratory Corporation of America, LabCorp
Classification: Uncertain significance. Last evaluated: 2026-03-20. Review status: criteria provided, single submitter. Criteria: LabCorp Variant Classification Summary - May 2015. Collection method: clinical testing. Allele origin: germline.
Comment: Variant summary: TTC7A c.2495C>T (p.Ala832Val) results in a non-conservative amino acid change in the encoded protein sequence. Algorithms developed to predict the effect of missense changes on protein structure and function all suggest that this variant is likely to be disruptive. The variant allele was found at a frequency of 8e-06 in 250974 control chromosomes. The available data on variant occurrences in the general population are insufficient to allow any conclusion about variant significance. c.2495C>T has been observed in individuals affected with Severe Combined Immunodeficiency (Bowling_2022, Dannheim_2022). These data do not allow any conclusion about variant significance. To our knowledge, no experimental evidence demonstrating an impact on protein function has been reported. The following publications have been ascertained in the context of this evaluation (PMID: 34930662, 34985046). ClinVar contains an entry for this variant (Variation ID: 828027). Based on the evidence outlined above, the variant was classified as uncertain significance.

HudsonAlpha Institute for Biotechnology
Classification: Likely pathogenic for Gastrointestinal defects and immunodeficiency syndrome 1. Last evaluated: 2019-12-18. Review status: criteria provided, single submitter. Criteria: ACMG Guidelines, 2015. Collection method: research. Allele origin: unknown. Affected: yes. Observed: 1 variant allele. Study: CSER-SouthSeq.
Comment: ACMG codes: PM2, PM5, PP3, PP4

Baylor Genetics
Classification: Uncertain significance for Gastrointestinal defects and immunodeficiency syndrome 1. Last evaluated: 2019-12-16. Review status: criteria provided, single submitter. Criteria: ACMG Guidelines, 2015. Collection method: clinical testing. Allele origin: unknown. Affected: yes.
Comment: This variant was determined to be of uncertain significance according to ACMG Guidelines, 2015 [PMID:25741868].

GeneDx
Classification: Uncertain significance. Last evaluated: 2019-11-27. Review status: criteria provided, single submitter. Criteria: GeneDx Variant Classification Process June 2021. Collection method: clinical testing. Allele origin: germline. Affected: yes.
Comment: Has not been previously published as pathogenic or benign to our knowledge; A different missense variant at this residue (A832T) was reported in published literature in the homozygous state in two siblings with apoptotic enterocolitis (Avitzur et al., 2014); Not observed at a significant frequency in large population cohorts (Lek et al., 2016); In silico analysis, which includes protein predictors and evolutionary conservation, supports a deleterious effect

Literature cited by the submitters: PubMed 34930662 (cited by Women's Health and Genetics/Laboratory Corporation of America, LabCorp); PubMed 34985046 (cited by Women's Health and Genetics/Laboratory Corporation of America, LabCorp).

NM_020458.4(TTC7A):c.2495C>T (p.Ala832Val)

Gene: TTC7A (tetratricopeptide repeat domain 7A; plus strand). Cytogenetic location: 2p21.
Variant type: single nucleotide variant.
Coding change: c.2495C>T on transcript NM_020458.4 (MANE Select); coding-DNA position 2495, C replaced by T.
Protein change: p.Ala832Val; replaces alanine 832 with valine.
Molecular consequence: missense variant.
Genome position (GRCh38, 1-based): chr2:47,073,841, C>T. VCF-style: chr2-47073841-C-T. GRCh37 (hg19) VCF-style: chr2-47300980-C-T.
Other names: c.2567C>T, p.Ala856Val (NM_001288951.2); c.2393C>T, p.Ala798Val (NM_001288953.2); c.1433C>T, p.Ala478Val (NM_001288955.2); short protein forms A478V, A798V, A832V, A856V.
Identifiers: ClinVar variation 828027 (VCV000828027.6), dbSNP rs755985958, ClinGen allele CA1648180.